The following is an entry in ClinVar:

NM_005198.5(CHKB):c.619C>T (p.Leu207Phe)

Genes: CHKB-CPT1B (CHKB-CPT1B readthrough (NMD candidate); minus strand), CHKB (choline kinase beta; minus strand). Cytogenetic location: 22q13.33.
Variant type: single nucleotide variant.
Coding change: c.619C>T on transcript NM_005198.5 (MANE Select); coding-DNA position 619, C replaced by T.
Protein change: p.Leu207Phe; replaces leucine 207 with phenylalanine.
Molecular consequence: missense variant. On other transcripts: non-coding transcript variant (1).
Genome position (GRCh38, 1-based): chr22:50,580,623, G>A on the plus strand (C>T on the coding strand, the complement: CHKB is on the minus strand). VCF-style: chr22-50580623-G-A. GRCh37 (hg19) VCF-style: chr22-51019052-G-A.
Other names: short protein forms L207F.
Identifiers: ClinVar variation 1390528 (VCV001390528.6), dbSNP rs552898356, ClinGen allele CA325537610.

ClinVar aggregate classification (germline): Uncertain significance (1 of 4 stars; one submission).

Conditions:
Megaconial type congenital muscular dystrophy (MDCMC). Also called: CHKB-Related Muscle Diseases; CHKB-Related Muscular Dystrophy; MUSCULAR DYSTROPHY, CONGENITAL, WITH MITOCHONDRIAL STRUCTURAL ABNORMALITIES. Identifiers: Orphanet 280671, MedGen C1865233, MONDO:0011246, OMIM 602541.

Allele frequency attached by ClinVar (database versions not stated): gnomAD exomes below 0.00001.

Submission:

Labcorp Genetics (formerly Invitae), Labcorp
Classification: Uncertain significance for Megaconial type congenital muscular dystrophy. Last evaluated: 2024-11-18. Review status: criteria provided, single submitter. Criteria: Invitae Variant Classification Sherloc (09022015). Collection method: clinical testing. Allele origin: germline.
Comment: This sequence change replaces leucine, which is neutral and non-polar, with phenylalanine, which is neutral and non-polar, at codon 207 of the CHKB protein (p.Leu207Phe). This variant is not present in population databases (gnomAD no frequency). This variant has not been reported in the literature in individuals affected with CHKB-related conditions. ClinVar contains an entry for this variant (Variation ID: 1390528). Invitae Evidence Modeling of protein sequence and biophysical properties (such as structural, functional, and spatial information, amino acid conservation, physicochemical variation, residue mobility, and thermodynamic stability) indicates that this missense variant is not expected to disrupt CHKB protein function with a negative predictive value of 80%. In summary, the available evidence is currently insufficient to determine the role of this variant in disease. Therefore, it has been classified as a Variant of Uncertain Significance.